The following is an entry in ClinVar:

ClinVar aggregate classification (germline): Uncertain significance (1 of 4 stars; one submission).

Conditions:
2-aminoadipic 2-oxoadipic aciduria (AAKAD). Also called: Aminoadipic aciduria; ALPHA-AMINOADIPIC AND ALPHA-KETOADIPIC ACIDURIA. Identifiers: Orphanet 79154, MedGen C1859817, MONDO:0008774, OMIM 204750.

Allele frequency attached by ClinVar (database versions not stated): gnomAD exomes below 0.00001.
gnomAD v4.1: 2 of 1,614,118 alleles (0.00012%); highest among the groups gnomAD compares: East Asian, 0.0022%; no homozygotes.

Submission:

Labcorp Genetics (formerly Invitae), Labcorp
Classification: Uncertain significance for 2-aminoadipic 2-oxoadipic aciduria. Last evaluated: 2023-11-07. Review status: criteria provided, single submitter. Criteria: Invitae Variant Classification Sherloc (09022015). Collection method: clinical testing. Allele origin: germline.
Comment: This sequence change replaces arginine, which is basic and polar, with histidine, which is basic and polar, at codon 302 of the DHTKD1 protein (p.Arg302His). This variant is not present in population databases (gnomAD no frequency). This variant has not been reported in the literature in individuals affected with DHTKD1-related conditions. Advanced modeling of protein sequence and biophysical properties (such as structural, functional, and spatial information, amino acid conservation, physicochemical variation, residue mobility, and thermodynamic stability) performed at Invitae indicates that this missense variant is not expected to disrupt DHTKD1 protein function with a negative predictive value of 80%. In summary, the available evidence is currently insufficient to determine the role of this variant in disease. Therefore, it has been classified as a Variant of Uncertain Significance.

NM_018706.7(DHTKD1):c.905G>A (p.Arg302His)

Gene: DHTKD1 (dehydrogenase E1 and transketolase domain containing 1; plus strand). Cytogenetic location: 10p14.
Variant type: single nucleotide variant.
Coding change: c.905G>A on transcript NM_018706.7 (MANE Select); coding-DNA position 905, G replaced by A.
Protein change: p.Arg302His; replaces arginine 302 with histidine.
Molecular consequence: missense variant.
Genome position (GRCh38, 1-based): chr10:12,089,173, G>A. VCF-style: chr10-12089173-G-A. GRCh37 (hg19) VCF-style: chr10-12131172-G-A.
Other names: short protein forms R302H.
Identifiers: ClinVar variation 2891776 (VCV002891776.3), dbSNP rs2491477219, ClinGen allele CA376018749.
Genomic context (GRCh38, chr10:12,089,173, plus strand): 5'-CAATGTTGCCCAATCCCTCGCACCTGGAGGCCGTCAACCCCGTGGCCGTGGGCAAAACTC[G>A]CGGCAGGCAGCAGTCTCGCCAAGACGGCGATTACTCTCCAGACAACTCAGCCCAGCCGGG-3'
Protein context (NP_061176.4, residues 292-312): AVNPVAVGKT[Arg302His]GRQQSRQDGD